The following is an entry in ClinVar:

NM_001034853.2(RPGR):c.1576CAA[1] (p.Gln527del)

Gene: RPGR (retinitis pigmentosa GTPase regulator; minus strand). Cytogenetic location: Xp11.4.
Variant type: Microsatellite.
Coding change: c.1576CAA[1] on transcript NM_001034853.2 (MANE Select); one copy of the 3-base unit CAA starting at c.1576; the reference has two copies in a row; one copy, 3 bases deleted.
Protein change: p.Gln527del; deletes glutamine 527.
Molecular consequence: inframe deletion. On other transcripts: non-coding transcript variant (1), intron variant (5).
Genome position (GRCh38, 1-based): chrX:38,288,033-38,288,035, TTG deleted on the plus strand (CAA on the coding strand, the reverse complement: RPGR is on the minus strand); deleting any 3 consecutive bases within chrX:38,288,033-38,288,040 gives the same sequence; the position shown is the placement nearest the transcript's 3' end. VCF-style (leftmost placement, unchanged base first): chrX-38288032-TTTG-T. GRCh37 (hg19) VCF-style: chrX-38147285-TTTG-T.
Other names: c.1579_1581del (NM_000328.2, NM_000328.3); c.1576_1578delCAA (NM_000328.2); c.1576CAA[1], p.Gln527del (NM_000328.3); c.1573CAA[1], p.Gln526del (NM_001367245.1); c.1390CAA[1], p.Gln465del (NM_001367246.1); c.1569+2924_1569+2926del (NM_001367249.1, NM_001367250.1); c.1386+2924_1386+2926del (NM_001367251.1); c.1572+2924_1572+2926del (NM_001367247.1); and 2 more; short protein forms Q527del, Q465del, Q526del.
Identifiers: ClinVar variation 92853 (VCV000092853.34), dbSNP rs62653033, ClinGen allele CA146036.

ClinVar aggregate classification (germline): Benign/Likely benign. Review status: criteria provided, multiple submitters, no conflicts (2 of 4 stars). 10 submissions from 10 submitters: Benign (8); Likely benign (1). 1 of the submissions does not count toward it. Last evaluated 2026-02-04.

Conditions:
Primary ciliary dyskinesia. Also called: Ciliary dyskinesia. Identifiers: Orphanet 244, MedGen C0008780, MONDO:0016575, HP:0012265.

Submissions (10):

Labcorp Genetics (formerly Invitae), Labcorp
Classification: Benign for Primary ciliary dyskinesia. Last evaluated: 2026-02-04. Review status: criteria provided, single submitter. Criteria: Invitae Variant Classification Sherloc (09022015). Collection method: clinical testing. Allele origin: germline.

Women's Health and Genetics/Laboratory Corporation of America, LabCorp
Classification: Benign. Last evaluated: 2024-01-13. Review status: criteria provided, single submitter. Criteria: LabCorp Variant Classification Summary - May 2015. Collection method: clinical testing. Allele origin: germline.
Comment: Variant summary: RPGR c.1579_1581delCAA (p.Gln527del) results in an in-frame deletion that is predicted to remove 1 amino acid from the encoded protein. The variant allele was found at a frequency of 0.018 in 182433 control chromosomes, predominantly at a frequency of 0.026 within the Non-Finnish European subpopulation in the gnomAD database, including 16 homozygotes. The observed variant frequency within Non-Finnish European control individuals in the gnomAD database is approximately 5.2 fold of the estimated maximal expected allele frequency for a pathogenic variant in RPGR causing Retinitis Pigmentosa, X-Linked phenotype (0.005), strongly suggesting that the variant is a benign polymorphism found primarily in populations of Non-Finnish European origin. c.1579_1581delCAA has been reported in the literature studying genetic susceptibility of Pulmonary Nontuberculous Mycobacterial Infectioin, without further information for analysis (Szymanski_2015). These report(s) do not provide unequivocal conclusions about association of the variant with Retinitis Pigmentosa, X-Linked. To our knowledge, no experimental evidence demonstrating an impact on protein function has been reported. The following publication have been ascertained in the context of this evaluation (PMID: 26038974). ClinVar contains an entry for this variant (Variation ID: 92853. Benign/Likely Benign). Based on the evidence outlined above, the variant was classified as benign.

ARUP Laboratories, Molecular Genetics and Genomics, ARUP Laboratories
Classification: Benign. Last evaluated: 2023-10-23. Review status: criteria provided, single submitter. Criteria: ARUP Molecular Germline Variant Investigation Process 2024. Collection method: clinical testing. Allele origin: germline.

Mayo Clinic Laboratories, Mayo Clinic
Classification: Benign. Last evaluated: 2023-07-18. Review status: criteria provided, single submitter. Criteria: ACMG Guidelines, 2015. Collection method: clinical testing. Allele origin: germline. Observed: 5 variant alleles.
Comment: BS1, BS2

GeneDx
Classification: Likely benign. Last evaluated: 2019-07-18. Review status: criteria provided, single submitter. Criteria: GeneDx Variant Classification Process June 2021. Collection method: clinical testing. Allele origin: germline. Affected: yes.
Comment: This variant is associated with the following publications: (PMID: 26038974)

Laboratory for Molecular Medicine, Mass General Brigham Personalized Medicine
Classification: Benign. Last evaluated: 2016-01-29. Review status: criteria provided, single submitter. Criteria: LMM Criteria. Collection method: clinical testing. Allele origin: germline. Observed: 2 variant alleles.
Comment: p.Gln527del in exon 14 of RPGR: This variant is not expected to have clinical si gnificance because it has been identified in 2.8% (1333/46868) of European chrom osomes by the Exome Aggregation Consortium (ExAC ; dbSNP rs398123335).

Ambry Genetics
Classification: Benign for Primary ciliary dyskinesia. Last evaluated: 2014-12-26. Review status: criteria provided, single submitter. Criteria: Ambry Variant Classification Scheme 2023. Collection method: clinical testing. Allele origin: germline.

Eurofins Ntd Llc (ga)
Classification: Benign. Last evaluated: 2013-10-03. Review status: criteria provided, single submitter. Criteria: EGL Classification Definitions 2015. Collection method: clinical testing. Allele origin: germline. Observed: 2 variant alleles, 2 heterozygotes.

PreventionGenetics, part of Exact Sciences
Classification: Benign. Review status: criteria provided, single submitter. Criteria: ACMG Guidelines, 2015. Collection method: clinical testing. Allele origin: germline.

Retina International
No classification provided. Review status: no classification provided. Collection method: not provided. Allele origin: unknown. Not counted in ClinVar's aggregate classification.

Literature cited by the submitters: PubMed 26038974 (cited by Women's Health and Genetics/Laboratory Corporation of America, LabCorp and Mayo Clinic Laboratories, Mayo Clinic); PubMed 14564670 (cited by Laboratory for Molecular Medicine, Mass General Brigham Personalized Medicine).